The following is an entry in ClinVar:

ClinVar aggregate classification (germline): Likely benign (0 of 4 stars; one submission).

Conditions:
MUC1-related disorder. Also called: MUC1-related condition.

Allele frequency attached by ClinVar (database versions not stated): gnomAD 0.00003; TOPMed 0.00003; gnomAD exomes 0.00006; ESP Exome Variant Server 0.00008; ExAC 0.00012.

Submission:

PreventionGenetics, part of Exact Sciences
Classification: Likely benign for MUC1-related condition. Last evaluated: 2020-02-25. Review status: no assertion criteria provided. Collection method: clinical testing. Allele origin: germline.
Comment: This variant is classified as likely benign based on ACMG/AMP sequence variant interpretation guidelines (Richards et al. 2015 PMID: 25741868, with internal and published modifications).

NM_002456.6(MUC1):c.31C>T (p.Leu11=)

Gene: MUC1 (mucin 1, cell surface associated; minus strand). Cytogenetic location: 1q22.
Variant type: single nucleotide variant.
Coding change: c.31C>T on transcript NM_002456.6; coding-DNA position 31, C replaced by T.
Protein change: p.Leu11=; no amino-acid change (leucine 11 retained).
Molecular consequence: synonymous variant.
Genome position (GRCh38, 1-based): chr1:155,192,813, G>A on the plus strand (C>T on the coding strand, the complement: MUC1 is on the minus strand). VCF-style: chr1-155192813-G-A. GRCh37 (hg19) VCF-style: chr1-155162604-G-A.
Other names: c.31C>T, p.Leu11= (NM_001018016.3, NM_001018017.3, NM_001044390.3 and 17 more transcripts).
Identifiers: ClinVar variation 3051173 (VCV003051173.2), dbSNP rs377356836, ClinGen allele CA1139743.